The following is an entry in ClinVar:

ClinVar aggregate classification (germline): Uncertain significance (1 of 4 stars; one submission).

Submission:

Labcorp Genetics (formerly Invitae), Labcorp
Classification: Uncertain significance. Last evaluated: 2025-10-17. Review status: criteria provided, single submitter. Criteria: Invitae Variant Classification Sherloc (09022015). Collection method: clinical testing. Allele origin: germline.
Comment: This sequence change replaces alanine, which is neutral and non-polar, with proline, which is neutral and non-polar, at codon 2392 of the KMT2A protein (p.Ala2392Pro). This variant is not present in population databases (gnomAD no frequency). This variant has not been reported in the literature in individuals affected with KMT2A-related conditions. Invitae Evidence Modeling of protein sequence and biophysical properties (such as structural, functional, and spatial information, amino acid conservation, physicochemical variation, residue mobility, and thermodynamic stability) indicates that this missense variant is not expected to disrupt KMT2A protein function with a negative predictive value of 95%. In summary, the available evidence is currently insufficient to determine the role of this variant in disease. Therefore, it has been classified as a Variant of Uncertain Significance.

NM_001197104.2(KMT2A):c.7174G>C (p.Ala2392Pro)

Gene: KMT2A (lysine methyltransferase 2A; plus strand). Cytogenetic location: 11q23.3.
Variant type: single nucleotide variant.
Coding change: c.7174G>C on transcript NM_001197104.2 (MANE Select); coding-DNA position 7174, G replaced by C.
Protein change: p.Ala2392Pro; replaces alanine 2392 with proline.
Molecular consequence: missense variant.
Genome position (GRCh38, 1-based): chr11:118,503,066, G>C. VCF-style: chr11-118503066-G-C. GRCh37 (hg19) VCF-style: chr11-118373781-G-C.
Other names: c.7264G>C, p.Ala2422Pro (NM_001412597.1); c.7165G>C, p.Ala2389Pro (NM_005933.4); short protein forms A2389P, A2392P, A2422P.
Identifiers: ClinVar variation 4800552 (VCV004800552.1).